The following is an entry in ClinVar:

NM_002907.4(RECQL):c.391G>A (p.Asp131Asn)

Gene: RECQL (RecQ like helicase; minus strand). Cytogenetic location: 12p12.1.
Variant type: single nucleotide variant.
Coding change: c.391G>A on transcript NM_002907.4 (MANE Select); coding-DNA position 391, G replaced by A.
Protein change: p.Asp131Asn; replaces aspartic acid 131 with asparagine.
Molecular consequence: missense variant.
Genome position (GRCh38, 1-based): chr12:21,490,202, C>T on the plus strand (G>A on the coding strand, the complement: RECQL is on the minus strand). VCF-style: chr12-21490202-C-T. GRCh37 (hg19) VCF-style: chr12-21643136-C-T.
Other names: c.391G>A, p.Asp131Asn (NM_032941.3); short protein forms D131N.
Identifiers: ClinVar variation 4576938 (VCV004576938.1).

ClinVar aggregate classification (germline): Uncertain significance (1 of 4 stars; one submission).

Submission:

Ambry Genetics
Classification: Uncertain significance. Last evaluated: 2025-09-22. Review status: criteria provided, single submitter. Criteria: Ambry Variant Classification Scheme 2023. Collection method: clinical testing. Allele origin: germline.
Comment: The p.D131N variant (also known as c.391G>A), located in coding exon 3 of the RECQL gene, results from a G to A substitution at nucleotide position 391. The aspartic acid at codon 131 is replaced by asparagine, an amino acid with highly similar properties. This amino acid position is conserved. In addition, this alteration is predicted to be tolerated by in silico analysis. Based on the available evidence, the clinical significance of this variant remains unclear.